The following is an entry in ClinVar:

ClinVar aggregate classification (germline): Uncertain significance (1 of 4 stars; one submission).

Conditions:
Early-infantile DEE. Also called: Early infantile epileptic encephalopathy with suppression bursts; Early infantile epileptic encephalopathy; Ohtahara syndrome. Identifiers: Orphanet 1934, MedGen C0393706, MONDO:0800491.

Submission:

Labcorp Genetics (formerly Invitae), Labcorp
Classification: Uncertain significance for Early-infantile DEE. Last evaluated: 2024-05-15. Review status: criteria provided, single submitter. Criteria: Invitae Variant Classification Sherloc (09022015). Collection method: clinical testing. Allele origin: germline.
Comment: This sequence change falls in intron 20 of the SCN1A gene. It does not directly change the encoded amino acid sequence of the SCN1A protein. However, this sequence change falls within a region encompassing a cryptic exon in the SCN1A gene, in which variants have been shown to alter splicing (PMID: 30526861, 34107977). This variant is not present in population databases (gnomAD no frequency). This variant has not been reported in the literature in individuals affected with SCN1A-related conditions. ClinVar contains an entry for this variant (Variation ID: 1460811). Algorithms developed to predict the effect of sequence changes on RNA splicing suggest that this variant is not likely to affect RNA splicing. In summary, the available evidence is currently insufficient to determine the role of this variant in disease. Therefore, it has been classified as a Variant of Uncertain Significance.

Literature cited by the submitters: PubMed 30526861; PubMed 34107977.

NM_001165963.4(SCN1A):c.4002+2107C>T

Genes: SCN1A (sodium voltage-gated channel alpha subunit 1; minus strand), LOC102724058 (uncharacterized LOC102724058; plus strand). Cytogenetic location: 2q24.3.
Variant type: single nucleotide variant.
Coding change: c.4002+2107C>T on transcript NM_001165963.4 (MANE Select); 2107 bases into the intron after coding-DNA position 4002, C replaced by T.
Molecular consequence: intron variant.
Genome position (GRCh38, 1-based): chr2:166,007,612, G>A on the plus strand (C>T on the coding strand, the complement: SCN1A is on the minus strand). VCF-style: chr2-166007612-G-A. GRCh37 (hg19) VCF-style: chr2-166864122-G-A.
Other names: c.3969+2107C>T (NM_001353949.2, NM_001353950.2, NM_001353951.2 and 2 more transcripts); c.3918+2107C>T (NM_001353958.2, NM_001353957.2, NM_001165964.3); c.4002+2107C>T (NM_001202435.3, NM_001353948.2); c.3966+2107C>T (NM_001353955.2, NM_001353954.2); c.3915+2107C>T (NM_001353960.2); c.1560+2107C>T (NM_001353961.2).
Identifiers: ClinVar variation 1460811 (VCV001460811.7), dbSNP rs2105549912, ClinGen allele CA2573133068.
Genomic context (GRCh38, chr2:166,007,612, plus strand): 5'-TGGAAATTTGAAATACAATAAATGTTTAAAAGCTGTCAGCCAGAAATGTGCATAAAACAT[G>A]CAAAACACAAAGTGCAACGTGATGATAATTTATTTGTTACTTTCTAACTTCTTATCAAGC-3'